The following is an entry in ClinVar:

ClinVar aggregate classification (germline): Benign/Likely benign. Review status: criteria provided, multiple submitters, no conflicts (2 of 4 stars). 6 submissions from 6 submitters: Benign (5); Likely benign (1). Last evaluated 2026-02-04.

Conditions:
Spermatogenic failure 18. Identifiers: MedGen C4539783, MONDO:0054615, OMIM 617576.
Ciliary dyskinesia, primary, 37 (CILD37). Also called: CILIARY DYSKINESIA, PRIMARY, 37, WITH OR WITHOUT SITUS INVERSUS. Identifiers: MedGen C4539798, MONDO:0033204, OMIM 617577.

Allele frequency attached by ClinVar (database versions not stated): 1000 Genomes Project 30x 0.04076; 1000 Genomes Project 0.04133; TOPMed 0.07558; gnomAD 0.07660 and 0.07706; gnomAD exomes 0.08321; ESP Exome Variant Server 0.08788; ExAC 0.09038.
gnomAD v4.1: 174,359 of 1,612,930 alleles (11%); highest among the groups gnomAD compares: Non-Finnish European, 13%; 10,647 homozygotes.

Submissions (6):

Labcorp Genetics (formerly Invitae), Labcorp
Classification: Benign for Ciliary dyskinesia, primary, 37; Spermatogenic failure 18. Last evaluated: 2026-02-04. Review status: criteria provided, single submitter. Criteria: Invitae Variant Classification Sherloc (09022015). Collection method: clinical testing. Allele origin: germline.

Blueprint Genetics
Classification: Likely benign. Last evaluated: 2024-11-26. Review status: criteria provided, single submitter. Criteria: ACMG Guidelines, 2015. Collection method: clinical testing. Allele origin: germline.

Mayo Clinic Laboratories, Mayo Clinic
Classification: Benign. Last evaluated: 2023-03-12. Review status: criteria provided, single submitter. Criteria: ACMG Guidelines, 2015. Collection method: clinical testing. Allele origin: germline. Observed: 38 variant alleles.

GeneDx
Classification: Benign. Last evaluated: 2018-07-05. Review status: criteria provided, single submitter. Criteria: GeneDx Variant Classification Process June 2021. Collection method: clinical testing. Allele origin: germline. Affected: yes.

Laboratory for Molecular Medicine, Mass General Brigham Personalized Medicine
Classification: Benign. Last evaluated: 2016-03-29. Review status: criteria provided, single submitter. Criteria: LMM Criteria. Collection method: clinical testing. Allele origin: germline.
Comment: Variant identified in a genome or exome case(s) and assessed due to predicted null impact of the variant or pathogenic assertions in the literature or databases. Disclaimer: This variant has not undergone full assessment. The following are preliminary notes: Frequency

Breakthrough Genomics
Classification: Benign. Review status: criteria provided, single submitter. Criteria: ACMG Guidelines, 2015. Collection method: not provided. Allele origin: germline. Inheritance: Autosomal recessive inheritance. Affected: yes.

NM_015512.5(DNAH1):c.10881C>A (p.Val3627=)

Gene: DNAH1 (dynein axonemal heavy chain 1; plus strand). Cytogenetic location: 3p21.1.
Variant type: single nucleotide variant.
Coding change: c.10881C>A on transcript NM_015512.5 (MANE Select); coding-DNA position 10881, C replaced by A.
Protein change: p.Val3627=; no amino-acid change (valine 3627 retained).
Molecular consequence: synonymous variant.
Genome position (GRCh38, 1-based): chr3:52,394,972, C>A. VCF-style: chr3-52394972-C-A. GRCh37 (hg19) VCF-style: chr3-52428988-C-A.
Other names: p.Val3627=.
Identifiers: ClinVar variation 402603 (VCV000402603.15), dbSNP rs11708581, ClinGen allele CA2435983.